The following is an entry in ClinVar:

ClinVar aggregate classification (germline): Uncertain significance (1 of 4 stars; one submission).

Conditions:
Cardiovascular phenotype. Identifiers: MedGen CN230736.

Submission:

Ambry Genetics
Classification: Uncertain significance for Cardiovascular phenotype. Last evaluated: 2025-08-19. Review status: criteria provided, single submitter. Criteria: Ambry Variant Classification Scheme 2023. Collection method: clinical testing. Allele origin: germline.
Comment: The p.T202I variant (also known as c.605C>T), located in coding exon 1 of the ZNF469 gene, results from a C to T substitution at nucleotide position 605. The threonine at codon 202 is replaced by isoleucine, an amino acid with similar properties. This amino acid position is conserved. In addition, this alteration is predicted to be tolerated by in silico analysis. Based on the available evidence, the clinical significance of this variant remains unclear.

NM_001127464.1:c.605C>T

Gene: ZNF469 (zinc finger protein 469; plus strand).
Variant type: single nucleotide variant.
Identifiers: ClinVar variation 4209218 (VCV004209218.1).